The following is an entry in ClinVar:

ClinVar aggregate classification (germline): Pathogenic (1 of 4 stars; one submission).

Conditions:
Multiple endocrine neoplasia, type 1 (MEN1). Also called: MEN I; WERMER SYNDROME; Endocrine adenomatosis multiple; MEN 1; MEA I. Identifiers: Orphanet 652, MedGen C0025267, MeSH D018761, MONDO:0007540, OMIM 131100.

Submission:

Labcorp Genetics (formerly Invitae), Labcorp
Classification: Pathogenic for Multiple endocrine neoplasia, type 1. Last evaluated: 2022-07-29. Review status: criteria provided, single submitter. Criteria: Invitae Variant Classification Sherloc (09022015). Collection method: clinical testing. Allele origin: germline.
Comment: Advanced modeling of protein sequence and biophysical properties (such as structural, functional, and spatial information, amino acid conservation, physicochemical variation, residue mobility, and thermodynamic stability) performed at Invitae indicates that this missense variant is expected to disrupt MEN1 protein function. ClinVar contains an entry for this variant (Variation ID: 403831). This missense change has been observed in individuals with clinical features of multiple endocrine neoplasia type 1 (PMID: 11034102; Invitae). This variant is not present in population databases (gnomAD no frequency). This sequence change replaces serine, which is neutral and polar, with tryptophan, which is neutral and slightly polar, at codon 253 of the MEN1 protein (p.Ser253Trp). Experimental studies have shown that this missense change affects MEN1 function (PMID: 21819486). For these reasons, this variant has been classified as Pathogenic. This variant disrupts the p.Ser253 amino acid residue in MEN1. Other variant(s) that disrupt this residue have been determined to be pathogenic (PMID: 17623761, 20660572; Invitae). This suggests that this residue is clinically significant, and that variants that disrupt this residue are likely to be disease-causing.

Literature cited by the submitters: PubMed 11034102; PubMed 21819486; PubMed 17623761; PubMed 20660572.

NM_001370259.2(MEN1):c.758C>G (p.Ser253Trp)

Gene: MEN1 (menin 1; minus strand). Cytogenetic location: 11q13.1.
Variant type: single nucleotide variant.
Coding change: c.758C>G on transcript NM_001370259.2 (MANE Select); coding-DNA position 758, C replaced by G.
Protein change: p.Ser253Trp; replaces serine 253 with tryptophan.
Molecular consequence: missense variant.
Genome position (GRCh38, 1-based): chr11:64,807,577, G>C on the plus strand (C>G on the coding strand, the complement: MEN1 is on the minus strand). VCF-style: chr11-64807577-G-C. GRCh37 (hg19) VCF-style: chr11-64575049-G-C.
Other names: c.773C>G, p.Ser258Trp (NM_000244.4, NM_130800.3, NM_130801.3 and 3 more transcripts); c.758C>G, p.Ser253Trp (NM_001370251.2, NM_001370260.2, NM_001370261.2 and 1 more transcripts); c.653C>G, p.Ser218Trp (NM_001370262.2, NM_001370263.2); short protein forms S258W, S253W, S218W.
Identifiers: ClinVar variation 403831 (VCV000403831.10), dbSNP rs386134259, ClinGen allele CA16613469.